The following is an entry in ClinVar:

ClinVar aggregate classification (germline): Uncertain significance (1 of 4 stars; one submission).

Submission:

Labcorp Genetics (formerly Invitae), Labcorp
Classification: Uncertain significance. Last evaluated: 2022-03-25. Review status: criteria provided, single submitter. Criteria: Invitae Variant Classification Sherloc (09022015). Collection method: clinical testing. Allele origin: germline.
Comment: This variant is not present in population databases (gnomAD no frequency). This sequence change replaces glutamic acid, which is acidic and polar, with aspartic acid, which is acidic and polar, at codon 743 of the REST protein (p.Glu743Asp). This variant has not been reported in the literature in individuals affected with REST-related conditions. In summary, the available evidence is currently insufficient to determine the role of this variant in disease. Therefore, it has been classified as a Variant of Uncertain Significance. Algorithms developed to predict the effect of missense changes on protein structure and function (SIFT, PolyPhen-2, Align-GVGD) all suggest that this variant is likely to be tolerated.

NM_005612.5(REST):c.2229G>T (p.Glu743Asp)

Gene: REST (RE1 silencing transcription factor; plus strand). Cytogenetic location: 4q12.
Variant type: single nucleotide variant.
Coding change: c.2229G>T on transcript NM_005612.5 (MANE Select); coding-DNA position 2229, G replaced by T.
Protein change: p.Glu743Asp; replaces glutamic acid 743 with aspartic acid.
Molecular consequence: missense variant.
Genome position (GRCh38, 1-based): chr4:56,931,087, G>T. VCF-style: chr4-56931087-G-T. GRCh37 (hg19) VCF-style: chr4-57797253-G-T.
Other names: c.2229G>T, p.Glu743Asp (NM_001193508.2, NM_001363453.3); short protein forms E743D.
Identifiers: ClinVar variation 1959838 (VCV001959838.5), dbSNP rs3796530, ClinGen allele CA357008355.
Genomic context (GRCh38, chr4:56,931,087, plus strand): 5'-GGTCCAGAAGGAGCCTGTTCAGATGGAGCTGTCTCCTCCCATGGAGGTGGTCCAGAAGGA[G>T]CCTGTTCAGATAGAGCTGTCTCCTCCCATGGAGGTGGTCCAGAAGGAACCTGTTAAGATA-3'
Protein context (NP_005603.3, residues 733-753): LSPPMEVVQK[Glu743Asp]PVQIELSPPM